The following is an entry in ClinVar:

NM_198565.3(NRROS):c.1699A>T (p.Arg567Ter)

Gene: NRROS (negative regulator of reactive oxygen species; plus strand). Cytogenetic location: 3q29.
Variant type: single nucleotide variant.
Coding change: c.1699A>T on transcript NM_198565.3 (MANE Select); coding-DNA position 1699, A replaced by T.
Protein change: p.Arg567Ter; replaces arginine 567 with a stop codon.
Molecular consequence: nonsense.
Genome position (GRCh38, 1-based): chr3:196,661,342, A>T. VCF-style: chr3-196661342-A-T. GRCh37 (hg19) VCF-style: chr3-196388213-A-T.
Other names: short protein forms R567*.
Identifiers: ClinVar variation 4056677 (VCV004056677.1).

ClinVar aggregate classification (germline): Likely pathogenic (1 of 4 stars; one submission).

Conditions:
Seizures, early-onset, with neurodegeneration and brain calcifications. Identifiers: MedGen C5394359, MONDO:0030033, OMIM 618875.

Submission:

Laboratorio de Genetica e Diagnostico Molecular, Hospital Israelita Albert Einstein
Classification: Likely pathogenic for Seizures, early-onset, with neurodegeneration and brain calcifications. Last evaluated: 2024-01-02. Review status: criteria provided, single submitter. Criteria: ACMG Guidelines, 2015. Collection method: clinical testing. Allele origin: germline. Affected: yes.
Comment: ACMG classification criteria: PVS1 strong, PM2 moderate